The following is an entry in ClinVar:

NM_001035.3(RYR2):c.154A>G (p.Thr52Ala)

Gene: RYR2 (ryanodine receptor 2; plus strand). Cytogenetic location: 1q43.
Variant type: single nucleotide variant.
Coding change: c.154A>G on transcript NM_001035.3 (MANE Select); coding-DNA position 154, A replaced by G.
Protein change: p.Thr52Ala; replaces threonine 52 with alanine.
Molecular consequence: missense variant.
Genome position (GRCh38, 1-based): chr1:237,270,602, A>G. VCF-style: chr1-237270602-A-G. GRCh37 (hg19) VCF-style: chr1-237433902-A-G.
Other names: short protein forms T52A.
Identifiers: ClinVar variation 5017402 (VCV005017402.1).

ClinVar aggregate classification (germline): Uncertain significance (1 of 4 stars; one submission).

Submission:

GeneDx
Classification: Uncertain significance. Last evaluated: 2026-03-27. Review status: criteria provided, single submitter. Criteria: GeneDx Variant Classification Process June 2021. Collection method: clinical testing. Allele origin: germline.
Comment: Not observed at significant frequency in large population cohorts (gnomAD); In silico analysis supports that this missense variant has a deleterious effect on protein structure/function; Has not been previously published as pathogenic or benign to our knowledge; Not located in one of the three hot-spot regions of the RYR2 gene, where the majority of pathogenic missense variants occur (PMID: 19926015); This variant is associated with the following publications: (PMID: 19926015)